The following is an entry in ClinVar:

ClinVar aggregate classification (germline): Uncertain significance. Review status: criteria provided, multiple submitters, no conflicts (2 of 4 stars). 3 submissions from 3 submitters: Uncertain significance (2). 1 of the submissions does not count toward it. Last evaluated 2025-08-05.

Conditions:
Episodic ataxia type 2 (EA2). Also called: EPISODIC ATAXIA, NYSTAGMUS-ASSOCIATED; ACETAZOLAMIDE-RESPONSIVE HEREDITARY PAROXYSMAL CEREBELLAR ATAXIA; ATAXIA, EPISODIC, WITH NYSTAGMUS; ATAXIA, FAMILIAL PAROXYSMAL; CEREBELLAR ATAXIA, PAROXYSMAL, ACETAZOLAMIDE-RESPONSIVE; CEREBELLOPATHY, HEREDITARY PAROXYSMAL. Identifiers: Orphanet 97, MedGen C1720416, MONDO:0007163, OMIM 108500.
Developmental and epileptic encephalopathy, 42 (DEE42A). Also called: DEVELOPMENTAL AND EPILEPTIC ENCEPHALOPATHY 42A; EPILEPTIC ENCEPHALOPATHY, EARLY INFANTILE, 42A; Epileptic encephalopathy, early infantile, 42. Identifiers: MedGen C4310716, MONDO:0014917, OMIM 617106.

Allele frequency attached by ClinVar (database versions not stated): gnomAD exomes below 0.00001; ExAC 0.00001; gnomAD 0.00001; TOPMed 0.00001.
gnomAD v4.1: 8 of 1,613,386 alleles (0.0005%); highest among the groups gnomAD compares: South Asian, 0.0011%; no homozygotes.

Submissions (3):

Labcorp Genetics (formerly Invitae), Labcorp
Classification: Uncertain significance for Developmental and epileptic encephalopathy, 42; Episodic ataxia type 2. Last evaluated: 2025-08-05. Review status: criteria provided, single submitter. Criteria: Invitae Variant Classification Sherloc (09022015). Collection method: clinical testing. Allele origin: germline.
Comment: This sequence change replaces valine, which is neutral and non-polar, with isoleucine, which is neutral and non-polar, at codon 1493 of the CACNA1A protein (p.Val1493Ile). This variant is present in population databases (rs121908234, gnomAD 0.004%). This missense change has been observed in individual(s) with episodic ataxia type 2 (PMID: 15173248). It has also been observed to segregate with disease in related individuals. ClinVar contains an entry for this variant (Variation ID: 68431). Invitae Evidence Modeling of protein sequence and biophysical properties (such as structural, functional, and spatial information, amino acid conservation, physicochemical variation, residue mobility, and thermodynamic stability) has been performed for this missense variant. However, the output from this modeling did not meet the statistical confidence thresholds required to predict the impact of this variant on CACNA1A protein function. In summary, the available evidence is currently insufficient to determine the role of this variant in disease. Therefore, it has been classified as a Variant of Uncertain Significance.

GeneDx
Classification: Uncertain significance. Last evaluated: 2023-02-08. Review status: criteria provided, single submitter. Criteria: GeneDx Variant Classification Process June 2021. Collection method: clinical testing. Allele origin: germline. Affected: yes.
Comment: Not observed at significant frequency in large population cohorts (gnomAD); In silico analysis supports that this missense variant does not alter protein structure/function; This variant is associated with the following publications: (PMID: 15173248)

UniProtKB/Swiss-Prot
No classification provided. Condition: Episodic ataxia type 2. Review status: no classification provided. Collection method: not provided. Allele origin: not provided. Not counted in ClinVar's aggregate classification.
Comment: V1494I in PubMed 15173248

Literature cited by the submitters: PubMed 15173248 (cited by Labcorp Genetics (formerly Invitae), Labcorp).

NM_001127222.2(CACNA1A):c.4474G>A (p.Val1492Ile)

Gene: CACNA1A (calcium voltage-gated channel subunit alpha1 A; minus strand). Cytogenetic location: 19p13.13.
Variant type: single nucleotide variant.
Coding change: c.4474G>A on transcript NM_001127222.2 (MANE Select); coding-DNA position 4474, G replaced by A.
Protein change: p.Val1492Ile; replaces valine 1492 with isoleucine.
Molecular consequence: missense variant.
Genome position (GRCh38, 1-based): chr19:13,257,466, C>T on the plus strand (G>A on the coding strand, the complement: CACNA1A is on the minus strand). VCF-style: chr19-13257466-C-T. GRCh37 (hg19) VCF-style: chr19-13368280-C-T.
Other names: V1494I; c.4486G>A, p.Val1496Ile (NM_000068.4, NM_023035.3); c.4477G>A, p.Val1493Ile (NM_001127221.2, NM_001174080.2); short protein forms V1493I, V1496I, V1492I.
Identifiers: ClinVar variation 68431 (VCV000068431.8), dbSNP rs121908234, ClinGen allele CA266050.